The following is an entry in ClinVar:

ClinVar aggregate classification (germline): Likely pathogenic (1 of 4 stars; one submission).

Conditions:
Sandhoff disease. Also called: GM2-GANGLIOSIDOSIS, TYPE II; Beta-hexosaminidase-beta-subunit deficiency; GM2 gangliosidosis, type 2; Total hexosaminidase deficiency; Sandhoff-Jatzkewitz-Pilz disease; HEXOSAMINIDASES A AND B DEFICIENCY. Identifiers: Orphanet 796, MedGen C0036161, MONDO:0010006, OMIM 268800.

Submission:

Labcorp Genetics (formerly Invitae), Labcorp
Classification: Likely pathogenic for Sandhoff disease. Last evaluated: 2023-01-13. Review status: criteria provided, single submitter. Criteria: Invitae Variant Classification Sherloc (09022015). Collection method: clinical testing. Allele origin: germline.
Comment: This variant has been observed in individual(s) with Sandhoff disease (Invitae). In at least one individual the data is consistent with being in trans (on the opposite chromosome) from a pathogenic variant. This variant is not present in population databases (gnomAD no frequency). This sequence change falls in intron 13 of the HEXB gene. It does not directly change the encoded amino acid sequence of the HEXB protein. ClinVar contains an entry for this variant (Variation ID: 1511717). In summary, the currently available evidence indicates that the variant is pathogenic, but additional data are needed to prove that conclusively. Therefore, this variant has been classified as Likely Pathogenic. Algorithms developed to predict the effect of sequence changes on RNA splicing suggest that this variant may disrupt the consensus splice site.

NM_000521.4(HEXB):c.1614-7_1614-1dup

Gene: HEXB (hexosaminidase subunit beta; plus strand). Cytogenetic location: 5q13.3.
Variant type: Duplication.
Coding change: c.1614-7_1614-1dup on transcript NM_000521.4 (MANE Select); 7 bases into the intron before coding-DNA position 1614 through the canonical splice acceptor site of the intron before coding-DNA position 1614, 7 bases duplicated (TCTACAG; older notation c.1614-7_1614-1dupTCTACAG).
Molecular consequence: splice acceptor variant.
Genome position (GRCh38, 1-based): chr5:74,721,111-74,721,117, TCTACAG duplicated. VCF-style (leftmost placement, unchanged base first): chr5-74721110-A-ATCTACAG. GRCh37 (hg19) VCF-style: chr5-74016935-A-ATCTACAG.
Other names: c.939-7_939-1dup (NM_001292004.2).
Identifiers: ClinVar variation 1511717 (VCV001511717.6), dbSNP rs2112188865, ClinGen allele CA2573139804.